The following is an entry in ClinVar:

NM_005612.5(REST):c.2841G>C (p.Met947Ile)

Gene: REST (RE1 silencing transcription factor; plus strand). Cytogenetic location: 4q12.
Variant type: single nucleotide variant.
Coding change: c.2841G>C on transcript NM_005612.5 (MANE Select); coding-DNA position 2841, G replaced by C.
Protein change: p.Met947Ile; replaces methionine 947 with isoleucine.
Molecular consequence: missense variant.
Genome position (GRCh38, 1-based): chr4:56,931,699, G>C. VCF-style: chr4-56931699-G-C. GRCh37 (hg19) VCF-style: chr4-57797865-G-C.
Other names: c.2841G>C, p.Met947Ile (NM_001193508.2, NM_001363453.3); short protein forms M947I.
Identifiers: ClinVar variation 3645617 (VCV003645617.2).

ClinVar aggregate classification (germline): Uncertain significance (1 of 4 stars; one submission).

gnomAD v4.1: 7 of 1,614,242 alleles (0.00043%); highest among the groups gnomAD compares: Non-Finnish European, 0.00059%; no homozygotes.

Submission:

Labcorp Genetics (formerly Invitae), Labcorp
Classification: Uncertain significance. Last evaluated: 2024-02-11. Review status: criteria provided, single submitter. Criteria: Invitae Variant Classification Sherloc (09022015). Collection method: clinical testing. Allele origin: germline.
Comment: This sequence change replaces methionine, which is neutral and non-polar, with isoleucine, which is neutral and non-polar, at codon 947 of the REST protein (p.Met947Ile). This variant is not present in population databases (gnomAD no frequency). This variant has not been reported in the literature in individuals affected with REST-related conditions. An algorithm developed to predict the effect of missense changes on protein structure and function (PolyPhen-2) suggests that this variant is likely to be tolerated. In summary, the available evidence is currently insufficient to determine the role of this variant in disease. Therefore, it has been classified as a Variant of Uncertain Significance.